The following is an entry in ClinVar:

ClinVar aggregate classification (germline): Likely benign (0 of 4 stars; one submission).

Conditions:
SLC39A5-related disorder. Also called: SLC39A5-related condition.

Allele frequency attached by ClinVar (database versions not stated): TOPMed 0.00002; ExAC 0.00001; gnomAD 0.00001.
gnomAD v4.1: 2 of 1,533,956 alleles (0.00013%); highest among the groups gnomAD compares: African/African-American, 0.0028%; no homozygotes.

Submission:

PreventionGenetics, part of Exact Sciences
Classification: Likely benign for SLC39A5-related condition. Last evaluated: 2019-05-28. Review status: no assertion criteria provided. Collection method: clinical testing. Allele origin: germline.
Comment: This variant is classified as likely benign based on ACMG/AMP sequence variant interpretation guidelines (Richards et al. 2015 PMID: 25741868, with internal and published modifications).

NM_173596.3(SLC39A5):c.287+4C>T

Gene: SLC39A5 (solute carrier family 39 member 5; plus strand). Cytogenetic location: 12q13.3.
Variant type: single nucleotide variant.
Coding change: c.287+4C>T on transcript NM_173596.3 (MANE Select); 4 bases into the intron after coding-DNA position 287, C replaced by T.
Molecular consequence: intron variant.
Genome position (GRCh38, 1-based): chr12:56,231,565, C>T. VCF-style: chr12-56231565-C-T. GRCh37 (hg19) VCF-style: chr12-56625349-C-T.
Other names: c.287+4C>T (NM_001135195.1).
Identifiers: ClinVar variation 3039043 (VCV003039043.2), dbSNP rs772254496, ClinGen allele CA6627002.